The following is an entry in ClinVar:

ClinVar aggregate classification (germline): Likely pathogenic. Review status: criteria provided, single submitter (1 of 4 stars). 2 submissions from 2 submitters: Likely pathogenic (1). 1 of the submissions does not count toward it. Last evaluated 2023-02-14.

Conditions:
Ehlers-Danlos syndrome, type 4 (EDSVASC). Also called: Ehlers-Danlos syndrome vascular type; Ehlers Danlos syndrome, ecchymotic type; Ehlers Danlos syndrome, arterial type; Ehlers Danlos syndrome, Sack-Barabas type; Ehlers-Danlos Syndrome Type IV. Identifiers: Orphanet 286, MedGen C0268338, MONDO:0017314, OMIM 130050.

Submissions (2):

Labcorp Genetics (formerly Invitae), Labcorp
Classification: Likely pathogenic for Ehlers-Danlos syndrome, type 4. Last evaluated: 2023-02-14. Review status: criteria provided, single submitter. Criteria: Invitae Variant Classification Sherloc (09022015). Collection method: clinical testing. Allele origin: germline.
Comment: This sequence change replaces glycine, which is neutral and non-polar, with valine, which is neutral and non-polar, at codon 243 of the COL3A1 protein (p.Gly243Val). This variant is not present in population databases (gnomAD no frequency). This missense change has been observed in individual(s) with Ehlers-Danlos syndrome type IV (PMID: 10706896). This variant is also known as G76V. ClinVar contains an entry for this variant (Variation ID: 101356). Advanced modeling of protein sequence and biophysical properties (such as structural, functional, and spatial information, amino acid conservation, physicochemical variation, residue mobility, and thermodynamic stability) performed at Invitae indicates that this missense variant is expected to disrupt COL3A1 protein function. This variant disrupts the triple helix domain of COL3A1. Glycine residues within the Gly-Xaa-Yaa repeats of the triple helix domain are required for the structure and stability of fibrillar collagens (PMID: 7695699, 8218237, 19344236). In COL3A1, variants that affect these glycine residues are significantly enriched in individuals with disease (PMID: 24922459, 25758994) compared to the general population (ExAC). In summary, the currently available evidence indicates that the variant is pathogenic, but additional data are needed to prove that conclusively. Therefore, this variant has been classified as Likely Pathogenic.

Collagen Diagnostic Laboratory, University of Washington
Classification: Pathogenic for Ehlers-Danlos syndrome, type 4. Review status: no assertion criteria provided. Collection method: clinical testing. Allele origin: germline. Affected: yes. Not counted in ClinVar's aggregate classification.

Literature cited by the submitters: PubMed 10706896 (cited by Labcorp Genetics (formerly Invitae), Labcorp and Collagen Diagnostic Laboratory, University of Washington); PubMed 7695699 (cited by Labcorp Genetics (formerly Invitae), Labcorp); PubMed 8218237 (cited by Labcorp Genetics (formerly Invitae), Labcorp); PubMed 19344236 (cited by Labcorp Genetics (formerly Invitae), Labcorp); PubMed 24922459 (cited by Labcorp Genetics (formerly Invitae), Labcorp); PubMed 25758994 (cited by Labcorp Genetics (formerly Invitae), Labcorp).

NM_000090.4(COL3A1):c.728G>T (p.Gly243Val)

Gene: COL3A1 (collagen type III alpha 1 chain; plus strand). Cytogenetic location: 2q32.2.
Variant type: single nucleotide variant.
Coding change: c.728G>T on transcript NM_000090.4 (MANE Select); coding-DNA position 728, G replaced by T.
Protein change: p.Gly243Val; replaces glycine 243 with valine.
Molecular consequence: missense variant.
Genome position (GRCh38, 1-based): chr2:188,990,133, G>T. VCF-style: chr2-188990133-G-T. GRCh37 (hg19) VCF-style: chr2-189854859-G-T.
Identifiers: ClinVar variation 101356 (VCV000101356.5), dbSNP rs587779629, ClinGen allele CA007335.